The following is an entry in ClinVar:

ClinVar aggregate classification (germline): Conflicting classifications of pathogenicity. Review status: criteria provided, conflicting classifications (1 of 4 stars). 2 submissions from 2 submitters: Likely pathogenic (1); Uncertain significance (1). Last evaluated 2024-02-13.

Conditions:
Fatal mitochondrial disease due to combined oxidative phosphorylation defect type 3. Also called: Combined oxidative phosphorylation deficiency 3; ENCEPHALOMYOPATHY, RESPIRATORY FAILURE, AND LACTIC ACIDOSIS. Identifiers: Orphanet 168566, MedGen C1864840, MONDO:0012512, OMIM 610505.

Submissions (2):

Fulgent Genetics
Classification: Likely pathogenic for Fatal mitochondrial disease due to combined oxidative phosphorylation defect type 3. Last evaluated: 2024-02-13. Review status: criteria provided, single submitter. Criteria: ACMG Guidelines, 2015. Collection method: clinical testing. Allele origin: germline.

Labcorp Genetics (formerly Invitae), Labcorp
Classification: Uncertain significance. Last evaluated: 2023-05-23. Review status: criteria provided, single submitter. Criteria: Invitae Variant Classification Sherloc (09022015). Collection method: clinical testing. Allele origin: germline.
Comment: This variant has not been reported in the literature in individuals affected with TSFM-related conditions. ClinVar contains an entry for this variant (Variation ID: 1959263). This variant is not present in population databases (gnomAD no frequency). This sequence change affects the initiator methionine of the TSFM mRNA. The next in-frame methionine is located at codon 51. Experimental studies and prediction algorithms are not available or were not evaluated, and the functional significance of this variant is currently unknown. In summary, the available evidence is currently insufficient to determine the role of this variant in disease. Therefore, it has been classified as a Variant of Uncertain Significance.

NM_005726.6(TSFM):c.2T>C (p.Met1Thr)

Gene: TSFM (Ts translation elongation factor, mitochondrial; plus strand). Cytogenetic location: 12q14.1.
Variant type: single nucleotide variant.
Coding change: c.2T>C on transcript NM_005726.6 (MANE Select); coding-DNA position 2, T replaced by C.
Protein change: p.Met1Thr; changes the start codon (methionine 1).
Molecular consequence: missense variant, initiator codon variant.
Genome position (GRCh38, 1-based): chr12:57,782,803, T>C. VCF-style: chr12-57782803-T-C. GRCh37 (hg19) VCF-style: chr12-58176586-T-C.
Other names: c.2T>C, p.Met1Thr (NM_001172695.2, NM_001172696.2, NM_001172697.2); short protein forms M1T.
Identifiers: ClinVar variation 1959263 (VCV001959263.7), dbSNP rs869025542, ClinGen allele CA385522876.